The following is an entry in ClinVar:

ClinVar aggregate classification (germline): Uncertain significance. Review status: criteria provided, multiple submitters, no conflicts (2 of 4 stars). 4 submissions from 4 submitters: Uncertain significance (4). Last evaluated 2025-07-10.

Conditions:
Arrhythmogenic right ventricular dysplasia 9 (ARVD9). Also called: Arrhythmogenic Right Ventricular Dysplasia/Cardiomyopathy 9; ARRHYTHMOGENIC RIGHT VENTRICULAR DYSPLASIA, FAMILIAL, 9. Identifiers: MedGen C1836906, MONDO:0012180, OMIM 609040.
Cardiomyopathy (CMYO). Also called: Cardiomyopathies. Identifiers: Orphanet 167848, MedGen C0878544, MONDO:0004994, HP:0001638. Inheritance: Various modes of inheritance.
Cardiovascular phenotype. Identifiers: MedGen CN230736.

Allele frequency attached by ClinVar (database versions not stated): gnomAD exomes below 0.00001; gnomAD 0.00001.
gnomAD v4.1: 3 of 1,493,178 alleles (0.0002%); highest among the groups gnomAD compares: African/African-American, 0.0028%; no homozygotes.

Submissions (4):

Color Diagnostics, LLC DBA Color Health
Classification: Uncertain significance for Cardiomyopathy. Last evaluated: 2025-07-10. Review status: criteria provided, single submitter. Criteria: ACMG Guidelines, 2015. Collection method: clinical testing. Allele origin: germline.
Comment: This missense variant replaces glycine with glutamic acid at codon 75 of the PKP2 protein. Computational prediction suggests that this variant may not impact protein structure and function. To our knowledge, functional studies have not been reported for this variant. This variant has not been reported in individuals affected with PKP2-related disorders in the literature. This variant has been identified in 2/282652 chromosomes in the general population by the Genome Aggregation Database (gnomAD). The available evidence is insufficient to determine the role of this variant in disease conclusively. Therefore, this variant is classified as a Variant of Uncertain Significance.

Labcorp Genetics (formerly Invitae), Labcorp
Classification: Uncertain significance for Arrhythmogenic right ventricular dysplasia 9. Last evaluated: 2024-12-27. Review status: criteria provided, single submitter. Criteria: Invitae Variant Classification Sherloc (09022015). Collection method: clinical testing. Allele origin: germline.
Comment: This sequence change replaces glycine, which is neutral and non-polar, with glutamic acid, which is acidic and polar, at codon 75 of the PKP2 protein (p.Gly75Glu). This variant is present in population databases (rs267603443, gnomAD 0.008%). This variant has not been reported in the literature in individuals affected with PKP2-related conditions. ClinVar contains an entry for this variant (Variation ID: 78976). An algorithm developed to predict the effect of missense changes on protein structure and function (PolyPhen-2) suggests that this variant is likely to be disruptive. In summary, the available evidence is currently insufficient to determine the role of this variant in disease. Therefore, it has been classified as a Variant of Uncertain Significance.

Ambry Genetics
Classification: Uncertain significance for Cardiovascular phenotype. Last evaluated: 2021-03-03. Review status: criteria provided, single submitter. Criteria: Ambry Variant Classification Scheme 2023. Collection method: clinical testing. Allele origin: germline.

Women's Health and Genetics/Laboratory Corporation of America, LabCorp
Classification: Uncertain significance. Last evaluated: 2020-12-29. Review status: criteria provided, single submitter. Criteria: LabCorp Variant Classification Summary - May 2015. Collection method: clinical testing. Allele origin: germline.
Comment: Variant summary: PKP2 c.224G>A (p.Gly75Glu) results in a non-conservative amino acid change in the encoded protein sequence. Five of five in-silico tools predict a damaging effect of the variant on protein function. The variant allele was found at a frequency of 4e-06 in 251256 control chromosomes. The available data on variant occurrences in the general population are insufficient to allow any conclusion about variant significance. To our knowledge, no occurrence of c.224G>A in individuals affected with Arrhythmogenic Right Ventricular Dysplasia/Cardiomyopathy and no experimental evidence demonstrating its impact on protein function have been reported. No clinical diagnostic laboratories have submitted clinical-significance assessments for this variant to ClinVar after 2014. Based on the evidence outlined above, the variant was classified as uncertain significance.

NM_001005242.3(PKP2):c.224G>A (p.Gly75Glu)

Gene: PKP2 (plakophilin 2; minus strand). Cytogenetic location: 12p11.21.
Variant type: single nucleotide variant.
Coding change: c.224G>A on transcript NM_001005242.3 (MANE Select); coding-DNA position 224, G replaced by A.
Protein change: p.Gly75Glu; replaces glycine 75 with glutamic acid.
Molecular consequence: missense variant.
Genome position (GRCh38, 1-based): chr12:32,879,032, C>T on the plus strand (G>A on the coding strand, the complement: PKP2 is on the minus strand). VCF-style: chr12-32879032-C-T. GRCh37 (hg19) VCF-style: chr12-33031966-C-T.
Other names: c.224G>A, p.Gly75Glu (NM_004572.4); short protein forms G75E.
Identifiers: ClinVar variation 78976 (VCV000078976.8), dbSNP rs267603443, ClinGen allele CA235267475.
Genomic context (GRCh38, chr12:32,879,032, plus strand): 5'-TTTTCAACCAAGTGTAGGTTGTAGACATACTCAGGAACACTGCTGGTTCGGTGAAGATTT[C>T]CTGCAATCAAGCAAATATTAAAATAACTCAGAATACAAGTAGGCTAATTAATATTTACAG-3'
Protein context (NP_001005242.2, residues 65-85): ARKGRSSVGN[Gly75Glu]NLHRTSSVPE